The following is an entry in ClinVar:

ClinVar aggregate classification (germline): Pathogenic. Review status: criteria provided, multiple submitters, no conflicts (2 of 4 stars). 4 submissions from 4 submitters: Pathogenic (3). 1 of the submissions does not count toward it. Last evaluated 2023-07-17.

Conditions:
Nystagmus 1, congenital, X-linked. Also called: NYSTAGMUS 1, INFANTILE, X-LINKED; FRMD7-Related Infantile Nystagmus; NYSTAGMUS, CONGENITAL MOTOR, 1; NYSTAGMUS, INFANTILE IDIOPATHIC; NYSTAGMUS, INFANTILE PERIODIC ALTERNATING, X-LINKED. Identifiers: MedGen C1839580, MONDO:0010693, OMIM 310700.

Allele frequency attached by ClinVar (database versions not stated): gnomAD exomes below 0.00001.

Submissions (4):

Victorian Clinical Genetics Services, Murdoch Childrens Research Institute
Classification: Pathogenic for Nystagmus 1, congenital, X-linked. Last evaluated: 2023-07-17. Review status: criteria provided, single submitter. Criteria: ACMG Guidelines, 2015. Collection method: clinical testing. Allele origin: germline. Inheritance: X-linked inheritance. Affected: yes.
Comment: Based on the classification scheme VCGS_Germline_v1.3.4, this variant is classified as Pathogenic. Following criteria are met: 0102 - Loss of function is a known mechanism of disease in this gene and is associated with congenital nystagmus 1, and infantile periodic alternating nystagmus (MIM#310700). Dominant negative is also a suggested mechanism (PMID: 23406872). (I) 0109 - This gene is associated with X-linked recessive disease. However, heterozygous females may have symptoms (OMIM, PMID: 19072571). (I) 0200 - Variant is predicted to result in a missense amino acid change from glycine to arginine. (I) 0253 - This variant is hemizygous. (I) 0301 - Variant is absent from gnomAD (both v2 and v3). (SP) 0501 - Missense variant consistently predicted to be damaging by multiple in silico tools or highly conserved with a major amino acid change. (SP) 0600 - Variant is located in the annotated FERM N-terminal domain (DECIPHER). (I) 0704 - Another missense variant comparable to the one identified in this case has limited previous evidence for pathogenicity. This alternative change (p.(Gly24Trp)) has been reported in a hemizygous individual with congenital nystagmus (PMID: 35705619). (SP) 0801 - This variant has strong previous evidence of pathogenicity in unrelated individuals. This variant has been reported as pathogenic, and described in at least five individuals with nystagmus, or congenital motor nystagmus (ClinVar, PMID: 17013395, PMID: 21303855, PMID: 25678693, PMID: 35705619, PMID: 17768376). (I) Legend: (SP) - Supporting pathogenic, (I) - Information, (SB) - Supporting benign

Labcorp Genetics (formerly Invitae), Labcorp
Classification: Pathogenic. Last evaluated: 2022-10-13. Review status: criteria provided, single submitter. Criteria: Invitae Variant Classification Sherloc (09022015). Collection method: clinical testing. Allele origin: germline.
Comment: For these reasons, this variant has been classified as Pathogenic. Algorithms developed to predict the effect of missense changes on protein structure and function (SIFT, PolyPhen-2, Align-GVGD) all suggest that this variant is likely to be disruptive. ClinVar contains an entry for this variant (Variation ID: 10786). This missense change has been observed in individual(s) with X-linked infantile nystagmus (PMID: 17013395, 17768376, 25678693, 30942644). It has also been observed to segregate with disease in related individuals. This variant is not present in population databases (gnomAD no frequency). This sequence change replaces glycine, which is neutral and non-polar, with arginine, which is basic and polar, at codon 24 of the FRMD7 protein (p.Gly24Arg).

Institute of Medical Genetics and Applied Genomics, University Hospital Tübingen
Classification: Pathogenic. Last evaluated: 2020-10-23. Review status: criteria provided, single submitter. Criteria: ACMG Guidelines, 2015. Collection method: clinical testing. Allele origin: germline. Inheritance: Unknown mechanism. Affected: yes.

OMIM
Classification: Pathogenic for NYSTAGMUS 1, CONGENITAL, X-LINKED. Last evaluated: 2011-03-01. Review status: no assertion criteria provided. Collection method: literature only. Allele origin: germline. Not counted in ClinVar's aggregate classification.

Literature cited by the submitters: PubMed 17013395 (cited by 3 submitters); PubMed 17768376 (cited by Victorian Clinical Genetics Services, Murdoch Childrens Research Institute and Labcorp Genetics (formerly Invitae), Labcorp); PubMed 19072571 (cited by Victorian Clinical Genetics Services, Murdoch Childrens Research Institute); PubMed 21303855 (cited by Victorian Clinical Genetics Services, Murdoch Childrens Research Institute and OMIM); PubMed 23406872 (cited by Victorian Clinical Genetics Services, Murdoch Childrens Research Institute); PubMed 25678693 (cited by Victorian Clinical Genetics Services, Murdoch Childrens Research Institute and Labcorp Genetics (formerly Invitae), Labcorp); PubMed 35705619 (cited by Victorian Clinical Genetics Services, Murdoch Childrens Research Institute); PubMed 30942644 (cited by Labcorp Genetics (formerly Invitae), Labcorp); PubMed 16020310 (cited by OMIM).

NM_194277.3(FRMD7):c.70G>A (p.Gly24Arg)

Gene: FRMD7 (FERM domain containing 7; minus strand). Cytogenetic location: Xq26.2.
Variant type: single nucleotide variant.
Coding change: c.70G>A on transcript NM_194277.3 (MANE Select); coding-DNA position 70, G replaced by A.
Protein change: p.Gly24Arg; replaces glycine 24 with arginine.
Molecular consequence: missense variant.
Genome position (GRCh38, 1-based): chrX:132,100,704, C>T on the plus strand (G>A on the coding strand, the complement: FRMD7 is on the minus strand). VCF-style: chrX-132100704-C-T. GRCh37 (hg19) VCF-style: chrX-131234732-C-T.
Other names: c.70G>A, p.Gly24Arg (NM_001306193.2); c.70G>A (NM_194277.2); short protein forms G24R.
Identifiers: ClinVar variation 10786 (VCV000010786.9), dbSNP rs137852210, ClinGen allele CA255545.
Genomic context (GRCh38, chrX:132,100,704, plus strand): 5'-CAAAATATTCCTTTTCAGCAAGATTTAGATGGCTGCAACTCAGGTTAAACAATGCCTTCC[C>T]GGATGACTTTTGCTAAACAAAACAAAAAGATGATAGCACAATTTGCATTCCTAACCTGAT-3'
Protein context (NP_919253.1, residues 14-34): KIFVVDQKSS[Gly24Arg]KALFNLSCSH